The following is an entry in ClinVar:

NM_020759.3(STARD9):c.12787C>T (p.Leu4263Phe)

Gene: STARD9 (StAR related lipid transfer domain containing 9; plus strand). Cytogenetic location: 15q15.2.
Variant type: single nucleotide variant.
Coding change: c.12787C>T on transcript NM_020759.3 (MANE Select); coding-DNA position 12787, C replaced by T.
Protein change: p.Leu4263Phe; replaces leucine 4263 with phenylalanine.
Molecular consequence: missense variant.
Genome position (GRCh38, 1-based): chr15:42,694,550, C>T. VCF-style: chr15-42694550-C-T. GRCh37 (hg19) VCF-style: chr15-42986748-C-T.
Other names: c.12787C>T (NM_020759.2); short protein forms L4263F.
Identifiers: ClinVar variation 2645251 (VCV002645251.25), dbSNP rs369472585, ClinGen allele CA392085676.
Genomic context (GRCh38, chr15:42,694,550, plus strand): 5'-ATTCAGGGCCAGCTTCAGCGAATCGTGTTTTGCCTCAGGCAAAAAAAGGCCATTGAGACC[C>T]TCAGGAGAGAGCGGGCTGAGCGACTTGGGAACTTCTGCCGGACGCGAAGCCTTAGCCCTC-3'
Protein context (NP_065810.2, residues 4253-4273): YARQKKAIET[Leu4263Phe]RRERAERLGN

ClinVar aggregate classification (germline): Conflicting classifications of pathogenicity. Review status: criteria provided, conflicting classifications (1 of 4 stars). 2 submissions from 2 submitters: Uncertain significance (1); Likely benign (1). Last evaluated 2025-08-06.

gnomAD v4.1: 3 of 1,537,206 alleles (0.0002%); highest among the groups gnomAD compares: Middle Eastern, 0.017%; no homozygotes.

Submissions (2):

Ambry Genetics
Classification: Uncertain significance. Last evaluated: 2025-08-06. Review status: criteria provided, single submitter. Criteria: Ambry Variant Classification Scheme 2023. Collection method: clinical testing. Allele origin: germline.

CeGaT Center for Human Genetics Tuebingen
Classification: Likely benign. Last evaluated: 2022-06-01. Review status: criteria provided, single submitter. Criteria: CeGaT Center For Human Genetics Tuebingen Variant Classification Criteria Version 2. Collection method: clinical testing. Allele origin: germline. Affected: yes. Observed: 1 variant allele.
Comment: STARD9: BP4